The following is an entry in ClinVar:

ClinVar aggregate classification (germline): Uncertain significance (1 of 4 stars; one submission).

Conditions:
Ehlers-Danlos syndrome, classic type, 1 (EDSCL1). Also called: EHLERS-DANLOS SYNDROME, GRAVIS TYPE; EHLERS-DANLOS SYNDROME, SEVERE CLASSIC TYPE; Ehlers-Danlos syndrome, type 1; Ehlers-Danlos Syndrome, Classic Type, COL5A1-Related; EDS I. Identifiers: MedGen C0268335, MONDO:0019567, OMIM 130000.

Submission:

Labcorp Genetics (formerly Invitae), Labcorp
Classification: Uncertain significance for Ehlers-Danlos syndrome, classic type, 1. Last evaluated: 2022-08-09. Review status: criteria provided, single submitter. Criteria: Invitae Variant Classification Sherloc (09022015). Collection method: clinical testing. Allele origin: germline.
Comment: In summary, the available evidence is currently insufficient to determine the role of this variant in disease. Therefore, it has been classified as a Variant of Uncertain Significance. Variants that disrupt the consensus splice site are a relatively common cause of aberrant splicing (PMID: 17576681, 9536098). Algorithms developed to predict the effect of sequence changes on RNA splicing suggest that this variant is not likely to affect RNA splicing. ClinVar contains an entry for this variant (Variation ID: 1513050). This variant has not been reported in the literature in individuals affected with COL5A2-related conditions. This variant is not present in population databases (gnomAD no frequency). This sequence change affects codon 386 of the COL5A2 mRNA. It is a 'silent' change, meaning that it does not change the encoded amino acid sequence of the COL5A2 protein. This variant also falls at the last nucleotide of exon 18, which is part of the consensus splice site for this exon.

Literature cited by the submitters: PubMed 17576681; PubMed 9536098.

NM_000393.5(COL5A2):c.1158G>A (p.Lys386=)

Gene: COL5A2 (collagen type V alpha 2 chain; minus strand). Cytogenetic location: 2q32.2.
Variant type: single nucleotide variant.
Coding change: c.1158G>A on transcript NM_000393.5 (MANE Select); coding-DNA position 1158, G replaced by A.
Protein change: p.Lys386=; no amino-acid change (lysine 386 retained).
Molecular consequence: synonymous variant.
Genome position (GRCh38, 1-based): chr2:189,072,040, C>T on the plus strand (G>A on the coding strand, the complement: COL5A2 is on the minus strand). VCF-style: chr2-189072040-C-T. GRCh37 (hg19) VCF-style: chr2-189936766-C-T.
Identifiers: ClinVar variation 1513050 (VCV001513050.6), dbSNP rs2105613322, ClinGen allele CA430304086.
Genomic context (GRCh38, chr2:189,072,040, plus strand): 5'-ACTTTGGGACTCATGTAATCATGTAGCGTTAAATACTGTATATTAACATTAACATCTTAC[C>T]TTCATTCCAGGATTTCCTGGAAAACCAGAAGAGCCTGGTATCCCAAGAGGACCCTATTAA-3'
Protein context (NP_000384.2, residues 376-396): SSGFPGNPGM[Lys386=]GEAGPTGARG